The following is an entry in ClinVar:

NM_025099.6(CTC1):c.2758+4A>G

Gene: CTC1 (CST telomere replication complex component 1; minus strand). Cytogenetic location: 17p13.1.
Variant type: single nucleotide variant.
Coding change: c.2758+4A>G on transcript NM_025099.6 (MANE Select); 4 bases into the intron after coding-DNA position 2758, A replaced by G.
Molecular consequence: intron variant.
Genome position (GRCh38, 1-based): chr17:8,230,559, T>C on the plus strand (A>G on the coding strand, the complement: CTC1 is on the minus strand). VCF-style: chr17-8230559-T-C. GRCh37 (hg19) VCF-style: chr17-8133877-T-C.
Identifiers: ClinVar variation 938423 (VCV000938423.7), dbSNP rs754205135, ClinGen allele CA8371984.

ClinVar aggregate classification (germline): Uncertain significance (1 of 4 stars; one submission).

Conditions:
Dyskeratosis congenita. Identifiers: Orphanet 1775, MedGen C0265965, MONDO:0015780.

Allele frequency attached by ClinVar (database versions not stated): gnomAD exomes below 0.00001; ExAC 0.00001.

Submission:

Labcorp Genetics (formerly Invitae), Labcorp
Classification: Uncertain significance for Dyskeratosis congenita. Last evaluated: 2019-10-30. Review status: criteria provided, single submitter. Criteria: Invitae Variant Classification Sherloc (09022015). Collection method: clinical testing. Allele origin: germline.
Comment: This sequence change falls in intron 16 of the CTC1 gene. It does not directly change the encoded amino acid sequence of the CTC1 protein, but it affects a nucleotide within the consensus splice site of the intron. The frequency data for this variant in the population databases is considered unreliable, as metrics indicate poor data quality at this position in the ExAC database. In summary, the available evidence is currently insufficient to determine the role of this variant in disease. Therefore, it has been classified as a Variant of Uncertain Significance. Nucleotide substitutions within the consensus splice site are a relatively common cause of aberrant splicing (PMID: 17576681, 9536098). Algorithms developed to predict the effect of sequence changes on RNA splicing suggest that this variant may disrupt the consensus splice site, but this prediction has not been confirmed by published transcriptional studies. This variant has not been reported in the literature in individuals with CTC1-related conditions.

Literature cited by the submitters: PubMed 17576681; PubMed 9536098.